The following is an entry in ClinVar:

ClinVar aggregate classification (germline): Uncertain significance (1 of 4 stars; one submission).

Conditions:
Familial thoracic aortic aneurysm and aortic dissection (TAAD). Also called: Thoracic aortic aneurysms and dissections. Identifiers: Orphanet 91387, MedGen C4707243, MONDO:0019625.

Submission:

All of Us Research Program, National Institutes of Health
Classification: Uncertain significance for Familial thoracic aortic aneurysm and aortic dissection. Last evaluated: 2023-06-08. Review status: criteria provided, single submitter. Criteria: ACMG Guidelines, 2015. Collection method: clinical testing. Allele origin: germline. Inheritance: Autosomal dominant inheritance. Observed: 1 variant allele, 1 heterozygote.
Comment: This missense variant replaces glutamic acid with glutamine at codon 1566 of the MYH11 protein. Computational prediction suggests that this variant may have deleterious impact on protein structure and function (internally defined REVEL score threshold >= 0.7, PMID: 27666373). To our knowledge, functional studies have not been reported for this variant. This variant has not been reported in individuals affected with MYH11-related disorders in the literature. This variant has not been identified in the general population by the Genome Aggregation Database (gnomAD). The available evidence is insufficient to determine the role of this variant in disease conclusively. Therefore, this variant is classified as a Variant of Uncertain Significance.

This study involves interpretation of variants in research participants for the purpose of population health screening. Participant phenotype was not available at the time of variant classification. Additional details can be found in publication PMID: 35346344, PMCID: PMC8962531

NM_002474.3(MYH11):c.4675G>C (p.Glu1559Gln)

Genes: NDE1 (nudE neurodevelopment protein 1; plus strand), MYH11 (myosin heavy chain 11; minus strand). Cytogenetic location: 16p13.11.
Variant type: single nucleotide variant.
Coding change: c.4675G>C on transcript NM_002474.3 (MANE Select); coding-DNA position 4675, G replaced by C.
Protein change: p.Glu1559Gln; replaces glutamic acid 1559 with glutamine.
Molecular consequence: missense variant. On other transcripts: intron variant (2).
Genome position (GRCh38, 1-based): chr16:15,720,955, C>G on the plus strand (G>C on the coding strand, the complement: MYH11 is on the minus strand). VCF-style: chr16-15720955-C-G. GRCh37 (hg19) VCF-style: chr16-15814812-C-G.
Other names: c.4696G>C, p.Glu1566Gln (NM_001040113.2, NM_001040114.2); c.4675G>C, p.Glu1559Gln (NM_022844.3); c.948-3236C>G (NM_001143979.2, NM_017668.3); short protein forms E1559Q, E1566Q.
Identifiers: ClinVar variation 3071476 (VCV003071476.1), dbSNP rs2506120821, ClinGen allele CA394854121.